The following is an entry in ClinVar:

NM_144651.5(PXDNL):c.1128C>T (p.His376=)

Gene: PXDNL (peroxidasin like; minus strand). Cytogenetic location: 8q11.22.
Variant type: single nucleotide variant.
Coding change: c.1128C>T on transcript NM_144651.5 (MANE Select); coding-DNA position 1128, C replaced by T.
Protein change: p.His376=; no amino-acid change (histidine 376 retained).
Molecular consequence: synonymous variant.
Genome position (GRCh38, 1-based): chr8:51,453,640, G>A on the plus strand (C>T on the coding strand, the complement: PXDNL is on the minus strand). VCF-style: chr8-51453640-G-A. GRCh37 (hg19) VCF-style: chr8-52366200-G-A.
Identifiers: ClinVar variation 403357 (VCV000403357.7), dbSNP rs6473599, ClinGen allele CA4745439.

ClinVar aggregate classification (germline): Benign. Review status: criteria provided, multiple submitters, no conflicts (2 of 4 stars). 3 submissions from 3 submitters: Benign (2). 1 of the submissions does not count toward it. Last evaluated 2016-03-29.

Conditions:
PXDNL-related disorder. Also called: PXDNL-related condition.

Allele frequency attached by ClinVar (database versions not stated): 1000 Genomes Project 30x 0.74126; 1000 Genomes Project 0.74601; TOPMed 0.80169; gnomAD 0.81315 and 0.81472; ESP Exome Variant Server 0.82539; ExAC 0.87448; gnomAD exomes 0.88138.
gnomAD v4.1: 1,469,672 of 1,613,778 alleles (91%); highest among the groups gnomAD compares: Non-Finnish European, 95%; 676,821 homozygotes.

Submissions (3):

Laboratory for Molecular Medicine, Mass General Brigham Personalized Medicine
Classification: Benign. Last evaluated: 2016-03-29. Review status: criteria provided, single submitter. Criteria: LMM Criteria. Collection method: clinical testing. Allele origin: germline.
Comment: Variant identified in a genome or exome case(s) and assessed due to predicted null impact of the variant or pathogenic assertions in the literature or databases. Disclaimer: This variant has not undergone full assessment. The following are preliminary notes: Frequency

Breakthrough Genomics
Classification: Benign. Review status: criteria provided, single submitter. Criteria: ACMG Guidelines, 2015. Collection method: not provided. Allele origin: germline. Inheritance: Unknown mechanism. Affected: yes.

PreventionGenetics, part of Exact Sciences
Classification: Benign for PXDNL-related condition. Last evaluated: 2019-10-17. Review status: no assertion criteria provided. Collection method: clinical testing. Allele origin: germline. Not counted in ClinVar's aggregate classification.
Comment: This variant is classified as benign based on ACMG/AMP sequence variant interpretation guidelines (Richards et al. 2015 PMID: 25741868, with internal and published modifications).